The following is an entry in ClinVar:

NM_001286445.3(RIPOR2):c.1858-1480G>T

Gene: RIPOR2 (RHO family interacting cell polarization regulator 2; minus strand). Cytogenetic location: 6p22.3.
Variant type: single nucleotide variant.
Coding change: c.1858-1480G>T on transcript NM_001286445.3 (MANE Select); 1480 bases into the intron before coding-DNA position 1858, G replaced by T.
Molecular consequence: intron variant. On other transcripts: missense variant (2).
Genome position (GRCh38, 1-based): chr6:24,840,752, C>A on the plus strand (G>T on the coding strand, the complement: RIPOR2 is on the minus strand). VCF-style: chr6-24840752-C-A. GRCh37 (hg19) VCF-style: chr6-24840980-C-A.
Other names: c.1896G>T, p.Gln632His (NM_001286446.3); c.1794G>T, p.Gln598His (NM_001286447.2); c.1771-1480G>T (NM_001346031.2, NM_001346032.2); c.1921-1480G>T (NM_014722.5); c.1771-1153G>T (NM_015864.5); short protein forms Q632H, Q598H.
Identifiers: ClinVar variation 4980474 (VCV004980474.1).

ClinVar aggregate classification (germline): Uncertain significance (1 of 4 stars; one submission).

Conditions:
RIPOR2-related disorder. Also called: RIPOR2-related condition.

gnomAD v4.1: 49 of 1,535,550 alleles (0.0032%); highest among the groups gnomAD compares: African/African-American, 0.059%; no homozygotes.

Submission:

PreventionGenetics, part of Exact Sciences
Classification: Uncertain significance for RIPOR2-related condition. Last evaluated: 2026-04-22. Review status: criteria provided, single submitter. Criteria: ACMG Guidelines, 2015. Collection method: clinical testing. Allele origin: germline.
Comment: The RIPOR2 c.1921-1480G>T variant is predicted to interfere with splicing. This variant is coding in an alternative transcript NM_001286447:c.1794G>T (p.Gln598His). To our knowledge, this variant has not been reported in the literature. This variant is reported in 0.081% of alleles in individuals of African descent in gnomAD. Although we suspect that this variant may be benign, at this time, the clinical significance of this variant is uncertain due to the absence of conclusive functional and genetic evidence.